The following is an entry in ClinVar:

NM_001002295.2(GATA3):c.886G>T (p.Gly296Ter)

Gene: GATA3 (GATA binding protein 3; plus strand). Cytogenetic location: 10p14.
Variant type: single nucleotide variant.
Coding change: c.886G>T on transcript NM_001002295.2 (MANE Select); coding-DNA position 886, G replaced by T.
Protein change: p.Gly296Ter; replaces glycine 296 with a stop codon.
Molecular consequence: nonsense. On other transcripts: intron variant (1).
Genome position (GRCh38, 1-based): chr10:8,064,100, G>T. VCF-style: chr10-8064100-G-T. GRCh37 (hg19) VCF-style: chr10-8106063-G-T.
Other names: c.886G>T, p.Gly296Ter (NM_001441115.1, NM_001441116.1, NM_001441117.1 and 9 more transcripts); c.883G>T, p.Gly295Ter (NM_001441124.1, NM_001441125.1, NM_001441126.1 and 5 more transcripts); c.7G>T, p.Gly3Ter (NM_001441135.1); c.778+5259G>T (NM_001441134.1); short protein forms G296*, G3*, G295*.
Identifiers: ClinVar variation 4997954 (VCV004997954.1).

ClinVar aggregate classification (germline): Likely pathogenic (1 of 4 stars; one submission).

Conditions:
GATA3-related disorder. Also called: GATA3-related condition.

Submission:

PreventionGenetics, part of Exact Sciences
Classification: Likely pathogenic for GATA3-related condition. Last evaluated: 2025-02-12. Review status: criteria provided, single submitter. Criteria: ACMG Guidelines, 2015. Collection method: clinical testing. Allele origin: germline.
Comment: The GATA3 c.886G>T variant is predicted to result in premature protein termination (p.Gly296*). To our knowledge, this variant has not been reported in the literature or in a large population database (gnomAD), indicating this variant is rare. Nonsense variants in GATA3 are expected to be pathogenic. This variant is interpreted as likely pathogenic.